The following is an entry in ClinVar:

ClinVar aggregate classification (germline): Uncertain significance. Review status: criteria provided, multiple submitters, no conflicts (2 of 4 stars). 2 submissions from 2 submitters: Uncertain significance (2). Last evaluated 2025-08-06.

Conditions:
Familial cold autoinflammatory syndrome 3 (FCAS3). Also called: FAMILIAL ATYPICAL COLD URTICARIA; ANTIBODY DEFICIENCY AND IMMUNE DYSREGULATION, PLCG2-ASSOCIATED. Identifiers: Orphanet 300359, MedGen C3280914, MONDO:0013766, OMIM 614468.

Allele frequency attached by ClinVar (database versions not stated): gnomAD below 0.00001 and 0.00001; gnomAD exomes 0.00001.
gnomAD v4.1: 13 of 1,614,082 alleles (0.00081%); highest among the groups gnomAD compares: African/African-American, 0.0013%; no homozygotes.

Submissions (2):

Labcorp Genetics (formerly Invitae), Labcorp
Classification: Uncertain significance for Familial cold autoinflammatory syndrome 3. Last evaluated: 2025-08-06. Review status: criteria provided, single submitter. Criteria: Invitae Variant Classification Sherloc (09022015). Collection method: clinical testing. Allele origin: germline.
Comment: This sequence change replaces arginine, which is basic and polar, with cysteine, which is neutral and slightly polar, at codon 1001 of the PLCG2 protein (p.Arg1001Cys). This variant is present in population databases (no rsID available, gnomAD 0.002%). This variant has not been reported in the literature in individuals affected with PLCG2-related conditions. ClinVar contains an entry for this variant (Variation ID: 840003). An algorithm developed to predict the effect of missense changes on protein structure and function (PolyPhen-2) suggests that this variant is likely to be disruptive. In summary, the available evidence is currently insufficient to determine the role of this variant in disease. Therefore, it has been classified as a Variant of Uncertain Significance.

ARUP Laboratories, Molecular Genetics and Genomics, ARUP Laboratories
Classification: Uncertain significance. Last evaluated: 2024-11-23. Review status: criteria provided, single submitter. Criteria: ARUP Molecular Germline Variant Investigation Process 2024. Collection method: clinical testing. Allele origin: germline.
Comment: The PLCG2 c.3001C>T; p.Arg1001Cys variant (rs1024473204), to our knowledge, is not reported in the medical literature but is reported in ClinVar (Variation ID: 840003). This variant is only observed on two alleles in the Genome Aggregation Database (v2.1.1), indicating it is not a common polymorphism. Computational analyses are uncertain whether this variant is neutral or deleterious (REVEL: 0.346). Due to limited information, the clinical significance of this variant is uncertain at this time.

NM_002661.5(PLCG2):c.3001C>T (p.Arg1001Cys)

Gene: PLCG2 (phospholipase C gamma 2; plus strand). Cytogenetic location: 16q23.3.
Variant type: single nucleotide variant.
Coding change: c.3001C>T on transcript NM_002661.5 (MANE Select); coding-DNA position 3001, C replaced by T.
Protein change: p.Arg1001Cys; replaces arginine 1001 with cysteine.
Molecular consequence: missense variant.
Genome position (GRCh38, 1-based): chr16:81,936,327, C>T. VCF-style: chr16-81936327-C-T. GRCh37 (hg19) VCF-style: chr16-81969932-C-T.
Other names: short protein forms R1001C.
Identifiers: ClinVar variation 840003 (VCV000840003.10), dbSNP rs1024473204, ClinGen allele CA285188115.